The following is an entry in ClinVar:

ClinVar aggregate classification (germline): Benign (1 of 4 stars; one submission).

Conditions:
Cone-rod dystrophy 7 (CORD7). Identifiers: Orphanet 1872, MedGen C1863634, MONDO:0011355, OMIM 603649.

Allele frequency attached by ClinVar (database versions not stated): TOPMed 0.00002; 1000 Genomes Project 0.00060; gnomAD 0.00002; 1000 Genomes Project 30x 0.00047.
gnomAD v4.1: 3 of 152,276 alleles (0.002%); highest among the groups gnomAD compares: East Asian, 0.058%; no homozygotes.

Submission:

Illumina Laboratory Services, Illumina
Classification: Benign for Cone-rod dystrophy 7. Last evaluated: 2018-01-13. Review status: criteria provided, single submitter. Criteria: ICSL Variant Classification Criteria 13 December 2019. Collection method: clinical testing. Allele origin: germline.
Comment: This variant was observed in the ICSL laboratory as part of a predisposition screen in an ostensibly healthy population. It had not been previously curated by ICSL or reported in the Human Gene Mutation Database (HGMD: prior to June 1st, 2018), and was therefore a candidate for classification through an automated scoring system. Utilizing variant allele frequency, disease prevalence and penetrance estimates, and inheritance mode, an automated score was calculated to assess if this variant is too frequent to cause the disease. Based on the score and internal cut-off values, a variant classified as benign is not then subjected to further curation. The score for this variant resulted in a classification of benign for this disease.

NM_014989.7(RIMS1):c.*2429G>A

Gene: RIMS1 (regulating synaptic membrane exocytosis 1; plus strand). Cytogenetic location: 6q13.
Variant type: single nucleotide variant.
Coding change: c.*2429G>A on transcript NM_014989.7 (MANE Select); 2429 bases downstream of the stop codon, G replaced by A.
Molecular consequence: 3 prime UTR variant.
Genome position (GRCh38, 1-based): chr6:72,403,143, G>A. VCF-style: chr6-72403143-G-A. GRCh37 (hg19) VCF-style: chr6-73112845-G-A.
Other names: c.*2429G>A (NM_001168407.2, NM_001168408.2, NM_001168409.2 and 60 more transcripts).
Identifiers: ClinVar variation 910273 (VCV000910273.4), dbSNP rs570975514, ClinGen allele CA141427220.